The following is an entry in ClinVar:

NM_030957.4(ADAMTS10):c.1964C>T (p.Ala655Val)

Gene: ADAMTS10 (ADAM metallopeptidase with thrombospondin type 1 motif 10; minus strand). Cytogenetic location: 19p13.2.
Variant type: single nucleotide variant.
Coding change: c.1964C>T on transcript NM_030957.4 (MANE Select); coding-DNA position 1964, C replaced by T.
Protein change: p.Ala655Val; replaces alanine 655 with valine.
Molecular consequence: missense variant.
Genome position (GRCh38, 1-based): chr19:8,589,522, G>A on the plus strand (C>T on the coding strand, the complement: ADAMTS10 is on the minus strand). VCF-style: chr19-8589522-G-A. GRCh37 (hg19) VCF-style: chr19-8654406-G-A.
Other names: c.425C>T, p.Ala142Val (NM_001282352.2); short protein forms A655V, A142V.
Identifiers: ClinVar variation 1518613 (VCV001518613.5), dbSNP rs573956702, ClinGen allele CA9160290.

ClinVar aggregate classification (germline): Uncertain significance (1 of 4 stars; one submission).

Allele frequency attached by ClinVar (database versions not stated): gnomAD exomes below 0.00001; ExAC 0.00001; gnomAD 0.00001; 1000 Genomes Project 30x 0.00016; 1000 Genomes Project 0.00020.
gnomAD v4.1: 2 of 1,612,920 alleles (0.00012%); highest among the groups gnomAD compares: Admixed American, 0.0017%; no homozygotes.

Submission:

Labcorp Genetics (formerly Invitae), Labcorp
Classification: Uncertain significance. Last evaluated: 2022-08-23. Review status: criteria provided, single submitter. Criteria: Invitae Variant Classification Sherloc (09022015). Collection method: clinical testing. Allele origin: germline.
Comment: In summary, the available evidence is currently insufficient to determine the role of this variant in disease. Therefore, it has been classified as a Variant of Uncertain Significance. Algorithms developed to predict the effect of missense changes on protein structure and function (SIFT, PolyPhen-2, Align-GVGD) all suggest that this variant is likely to be disruptive. ClinVar contains an entry for this variant (Variation ID: 1518613). This variant has not been reported in the literature in individuals affected with ADAMTS10-related conditions. This variant is present in population databases (rs573956702, gnomAD 0.004%). This sequence change replaces alanine, which is neutral and non-polar, with valine, which is neutral and non-polar, at codon 655 of the ADAMTS10 protein (p.Ala655Val).